The following is an entry in ClinVar:

ClinVar aggregate classification (germline): Likely benign. Review status: criteria provided, multiple submitters, no conflicts (2 of 4 stars). 2 submissions from 2 submitters: Likely benign (2). Last evaluated 2025-03-04.

Allele frequency attached by ClinVar (database versions not stated): gnomAD exomes 0.00001 and 0.00002.
gnomAD v4.1: 14 of 1,499,198 alleles (0.00093%); highest among the groups gnomAD compares: South Asian, 0.0012%; no homozygotes.

Submissions (2):

Center for Genomic Medicine, Rigshospitalet, Copenhagen University Hospital
Classification: Likely benign. Last evaluated: 2025-03-04. Review status: criteria provided, single submitter. Criteria: ACMG Guidelines, 2015. Collection method: clinical testing. Allele origin: germline.

GeneDx
Classification: Likely benign. Last evaluated: 2016-02-16. Review status: criteria provided, single submitter. Criteria: GeneDx Variant Classification (06012015). Collection method: clinical testing. Allele origin: germline. Affected: yes.
Comment: This variant is considered likely benign or benign based on one or more of the following criteria: it is a conservative change, it occurs at a poorly conserved position in the protein, it is predicted to be benign by multiple in silico algorithms, and/or has population frequency not consistent with disease.

NM_006231.4(POLE):c.-8A>G

Genes: POLE (DNA polymerase epsilon, catalytic subunit; minus strand), LOC130009266 (ATAC-STARR-seq lymphoblastoid silent region 5123; plus strand). Cytogenetic location: 12q24.33.
Variant type: single nucleotide variant.
Coding change: c.-8A>G on transcript NM_006231.4 (MANE Select); 8 bases upstream of the start codon, A replaced by G.
Molecular consequence: 5 prime UTR variant.
Genome position (GRCh38, 1-based): chr12:132,687,323, T>C on the plus strand (A>G on the coding strand, the complement: POLE is on the minus strand). VCF-style: chr12-132687323-T-C. GRCh37 (hg19) VCF-style: chr12-133263909-T-C.
Identifiers: ClinVar variation 383933 (VCV000383933.6), dbSNP rs1057521786, ClinGen allele CA16606558.